The following is an entry in ClinVar:

ClinVar aggregate classification (germline): Uncertain significance (1 of 4 stars; one submission).

Conditions:
Duane-radial ray syndrome (DRRS). Also called: ACRORENOOCULAR SYNDROME; DR SYNDROME; DUANE ANOMALY WITH RADIAL RAY ABNORMALITIES AND DEAFNESS; Okihiro Syndrome; Duane-Radial Ray Syndrome (DRRS) / Okihiro Syndrome; Duane-Radial Ray Syndrome/Okihiro Syndrome. Identifiers: Orphanet 93293, Orphanet 959, MedGen C1623209, MONDO:0011812, OMIM 607323. Disease mechanism: gain of function.

gnomAD v4.1: 11 of 1,614,030 alleles (0.00068%); highest among the groups gnomAD compares: African/African-American, 0.004%; no homozygotes.

Submission:

Labcorp Genetics (formerly Invitae), Labcorp
Classification: Uncertain significance for Duane-radial ray syndrome. Last evaluated: 2025-01-18. Review status: criteria provided, single submitter. Criteria: Invitae Variant Classification Sherloc (09022015). Collection method: clinical testing. Allele origin: germline.
Comment: This sequence change replaces proline, which is neutral and non-polar, with leucine, which is neutral and non-polar, at codon 439 of the SALL4 protein (p.Pro439Leu). This variant is present in population databases (rs762523371, gnomAD 0.008%). This variant has not been reported in the literature in individuals affected with SALL4-related conditions. An algorithm developed to predict the effect of missense changes on protein structure and function (PolyPhen-2) suggests that this variant is likely to be disruptive. In summary, the available evidence is currently insufficient to determine the role of this variant in disease. Therefore, it has been classified as a Variant of Uncertain Significance.

NM_020436.5(SALL4):c.1316C>T (p.Pro439Leu)

Gene: SALL4 (spalt like transcription factor 4; minus strand). Cytogenetic location: 20q13.2.
Variant type: single nucleotide variant.
Coding change: c.1316C>T on transcript NM_020436.5 (MANE Select); coding-DNA position 1316, C replaced by T.
Protein change: p.Pro439Leu; replaces proline 439 with leucine.
Molecular consequence: missense variant. On other transcripts: intron variant (1).
Genome position (GRCh38, 1-based): chr20:51,791,167, G>A on the plus strand (C>T on the coding strand, the complement: SALL4 is on the minus strand). VCF-style: chr20-51791167-G-A. GRCh37 (hg19) VCF-style: chr20-50407706-G-A.
Other names: c.1150+166C>T (NM_001318031.2); short protein forms P439L.
Identifiers: ClinVar variation 3711927 (VCV003711927.2).
Genomic context (GRCh38, chr20:51,791,167, plus strand): 5'-AGTGCATAGGGGATGCCATTGCCGGCCGCCACTTTGTCCTGGAACTCGGCAAACAGCTGG[G>A]GGTTTGCCTTCACCTGGGGATGTCGGTGAAAGTGCACCTTGAGGTTGCCCTTGGTGGTGA-3'
Protein context (NP_065169.1, residues 429-449): FHRHPQVKAN[Pro439Leu]QLFAEFQDKV